The following is an entry in ClinVar:

ClinVar aggregate classification (germline): Uncertain significance. Review status: criteria provided, multiple submitters, no conflicts (2 of 4 stars). 3 submissions from 3 submitters: Uncertain significance (3). Last evaluated 2024-04-24.

Conditions:
Hereditary cancer-predisposing syndrome. Also called: Tumor predisposition; Neoplastic Syndromes, Hereditary; Hereditary Cancer Syndrome; Hereditary neoplastic syndrome. Identifiers: Orphanet 140162, MedGen C0027672, MeSH D009386, MONDO:0015356.
Fanconi anemia complementation group C (FANCC). Also called: Fanconi anemia, group C; FANCC-Related Fanconi Anemia; FANCONI PANCYTOPENIA, TYPE 3; FACC. Identifiers: Orphanet 84, MedGen C3468041, MONDO:0009213, OMIM 227645.
Fanconi anemia (FA). Also called: Fanconi's anemia. Identifiers: Orphanet 84, MedGen C0015625, MeSH D005199, MONDO:0019391.

Submissions (3):

Labcorp Genetics (formerly Invitae), Labcorp
Classification: Uncertain significance for Fanconi anemia. Last evaluated: 2024-04-24. Review status: criteria provided, single submitter. Criteria: Invitae Variant Classification Sherloc (09022015). Collection method: clinical testing. Allele origin: germline.
Comment: This sequence change replaces valine, which is neutral and non-polar, with isoleucine, which is neutral and non-polar, at codon 131 of the FANCC protein (p.Val131Ile). This variant is not present in population databases (gnomAD no frequency). This variant has not been reported in the literature in individuals affected with FANCC-related conditions. ClinVar contains an entry for this variant (Variation ID: 1382017). Advanced modeling of protein sequence and biophysical properties (such as structural, functional, and spatial information, amino acid conservation, physicochemical variation, residue mobility, and thermodynamic stability) performed at Invitae indicates that this missense variant is not expected to disrupt FANCC protein function with a negative predictive value of 80%. In summary, the available evidence is currently insufficient to determine the role of this variant in disease. Therefore, it has been classified as a Variant of Uncertain Significance.

St. Jude Molecular Pathology, St. Jude Children's Research Hospital
Classification: Uncertain significance for Fanconi anemia complementation group C. Last evaluated: 2023-06-01. Review status: criteria provided, single submitter. Criteria: St. Jude Assertion Criteria 2020. Collection method: clinical testing. Allele origin: germline.
Comment: The FANCC c.391G>A (p.Val131Ile) missense change is absent in gnomAD v2.1.1. The in silico tool REVEL predicts a benign effect on protein function, but to our knowledge this prediction has not been confirmed by functional studies. To our knowledge, this variant has not been reported in individuals with Fanconi anemia. In summary, the evidence currently available is insufficient to determine the clinical significance of this variant. It has therefore been classified as of uncertain significance.

Ambry Genetics
Classification: Uncertain significance for Hereditary cancer-predisposing syndrome. Last evaluated: 2021-07-05. Review status: criteria provided, single submitter. Criteria: Ambry Variant Classification Scheme 2023. Collection method: clinical testing. Allele origin: germline.
Comment: The p.V131I variant (also known as c.391G>A), located in coding exon 4 of the FANCC gene, results from a G to A substitution at nucleotide position 391. The valine at codon 131 is replaced by isoleucine, an amino acid with highly similar properties. This amino acid position is conserved. In addition, this alteration is predicted to be tolerated by in silico analysis. Since supporting evidence is limited at this time, the clinical significance of this alteration remains unclear.

NM_000136.3(FANCC):c.391G>A (p.Val131Ile)

Gene: FANCC (FA complementation group C; minus strand). Cytogenetic location: 9q22.32.
Variant type: single nucleotide variant.
Coding change: c.391G>A on transcript NM_000136.3 (MANE Select); coding-DNA position 391, G replaced by A.
Protein change: p.Val131Ile; replaces valine 131 with isoleucine.
Molecular consequence: missense variant.
Genome position (GRCh38, 1-based): chr9:95,172,102, C>T on the plus strand (G>A on the coding strand, the complement: FANCC is on the minus strand). VCF-style: chr9-95172102-C-T. GRCh37 (hg19) VCF-style: chr9-97934384-C-T.
Other names: c.391G>A, p.Val131Ile (NM_001243743.2, NM_001243744.2); short protein forms V131I.
Identifiers: ClinVar variation 1382017 (VCV001382017.10), dbSNP rs543546719, ClinGen allele CA196886556.
Genomic context (GRCh38, chr9:95,172,102, plus strand): 5'-TAAGCAAACCAGGATAGTAATCTATAGGTGCATACCCAAGACCTTGAGTGAAAAGAGCAA[C>T]TTCTTTATCAAATCTGAGTGCTGAAAGTATATGAGATAATACACCCTAAAAAACATAAAC-3'
Protein context (NP_000127.2, residues 121-141): ILSALRFDKE[Val131Ile]ALFTQGLGYA